The following is an entry in ClinVar:

ClinVar aggregate classification (germline): Uncertain significance (1 of 4 stars; one submission).

Conditions:
Hereditary spastic paraplegia 39 (SPG39). Also called: Spastic Paraplegia Type 39 (SPG39); SPASTIC PARAPLEGIA 39, AUTOSOMAL RECESSIVE. Identifiers: Orphanet 139480, MedGen C2677586, MONDO:0012787, OMIM 612020.

Allele frequency attached by ClinVar (database versions not stated): ExAC 0.00001; gnomAD exomes 0.00001.
gnomAD v4.1: 4 of 1,613,780 alleles (0.00025%); highest among the groups gnomAD compares: Admixed American, 0.0017%; no homozygotes.

Submission:

Labcorp Genetics (formerly Invitae), Labcorp
Classification: Uncertain significance for Hereditary spastic paraplegia 39. Last evaluated: 2024-12-02. Review status: criteria provided, single submitter. Criteria: Invitae Variant Classification Sherloc (09022015). Collection method: clinical testing. Allele origin: germline.
Comment: This sequence change replaces alanine, which is neutral and non-polar, with valine, which is neutral and non-polar, at codon 973 of the PNPLA6 protein (p.Ala973Val). This variant is present in population databases (rs776289656, gnomAD 0.003%). This variant has not been reported in the literature in individuals affected with PNPLA6-related conditions. ClinVar contains an entry for this variant (Variation ID: 1040238). Invitae Evidence Modeling of protein sequence and biophysical properties (such as structural, functional, and spatial information, amino acid conservation, physicochemical variation, residue mobility, and thermodynamic stability) indicates that this missense variant is expected to disrupt PNPLA6 protein function with a positive predictive value of 80%. In summary, the available evidence is currently insufficient to determine the role of this variant in disease. Therefore, it has been classified as a Variant of Uncertain Significance.

NM_001166114.2(PNPLA6):c.3032C>T (p.Ala1011Val)

Gene: PNPLA6 (patatin like domain 6, lysophospholipase; plus strand). Cytogenetic location: 19p13.2.
Variant type: single nucleotide variant.
Coding change: c.3032C>T on transcript NM_001166114.2 (MANE Select); coding-DNA position 3032, C replaced by T.
Protein change: p.Ala1011Val; replaces alanine 1011 with valine.
Molecular consequence: missense variant.
Genome position (GRCh38, 1-based): chr19:7,555,702, C>T. VCF-style: chr19-7555702-C-T. GRCh37 (hg19) VCF-style: chr19-7620588-C-T.
Other names: c.3062C>T, p.Ala1021Val (NM_001166111.2); c.2837C>T, p.Ala946Val (NM_001166112.2); c.2918C>T, p.Ala973Val (NM_001166113.1, NM_006702.5); short protein forms A1011V, A1021V, A973V, A946V.
Identifiers: ClinVar variation 1040238 (VCV001040238.6), dbSNP rs776289656, ClinGen allele CA9140301.
Genomic context (GRCh38, chr19:7,555,702, plus strand): 5'-AGGAGGCGGGGGTCCCCGTGGACCTGGTGGGCGGCACGTCCATTGGCTCTTTCATCGGAG[C>T]GTTGTACGCGGAGGAGCGCAGCGCCAGCCGCACGAAGCAGCGGGCCCGGGAGTGGGCCAA-3'
Protein context (NP_001159586.1, residues 1001-1021): GGTSIGSFIG[Ala1011Val]LYAEERSASR